The following is an entry in ClinVar:

NM_001267550.2(TTN):c.33580+6T>C

Gene: TTN (titin; minus strand). Cytogenetic location: 2q31.2.
Variant type: single nucleotide variant.
Coding change: c.33580+6T>C on transcript NM_001267550.2 (MANE Select); 6 bases into the intron after coding-DNA position 33580, T replaced by C.
Molecular consequence: intron variant.
Genome position (GRCh38, 1-based): chr2:178,679,888, A>G on the plus strand (T>C on the coding strand, the complement: TTN is on the minus strand). VCF-style: chr2-178679888-A-G. GRCh37 (hg19) VCF-style: chr2-179544615-A-G.
Other names: c.13283-37571T>C (NM_003319.4); c.13859-37571T>C (NM_133437.4); c.13658-37571T>C (NM_133432.3); c.29848+6T>C (NM_133378.4); c.32629+6T>C (NM_001256850.1).
Identifiers: ClinVar variation 166106 (VCV000166106.6), dbSNP rs368442571, ClinGen allele CA178906.

ClinVar aggregate classification (germline): Uncertain significance (1 of 4 stars; one submission).

Allele frequency attached by ClinVar (database versions not stated): TOPMed 0.00001.

Submission:

Laboratory for Molecular Medicine, Mass General Brigham Personalized Medicine
Classification: Uncertain significance. Last evaluated: 2019-10-14. Review status: criteria provided, single submitter. Criteria: ACMG Guidelines, 2015. Collection method: clinical testing. Allele origin: germline.
Comment: It was absent from large population studies. This variant is located in the 5' splice region. Computational tools do not suggest an impact to splicing. However, this information is not predictive enough to rule out pathogenicity. In summary, the clinical significance of the 29848+6T>C variant is uncertain. ACMG/AMP Criteria applied: PM2.